The following is an entry in ClinVar:

NM_000053.4(ATP7B):c.2255T>C (p.Val752Ala)

Gene: ATP7B (ATPase copper transporting beta; minus strand). Cytogenetic location: 13q14.3.
Variant type: single nucleotide variant.
Coding change: c.2255T>C on transcript NM_000053.4 (MANE Select); coding-DNA position 2255, T replaced by C.
Protein change: p.Val752Ala; replaces valine 752 with alanine.
Molecular consequence: missense variant. On other transcripts: intron variant (2).
Genome position (GRCh38, 1-based): chr13:51,958,411, A>G on the plus strand (T>C on the coding strand, the complement: ATP7B is on the minus strand). VCF-style: chr13-51958411-A-G. GRCh37 (hg19) VCF-style: chr13-52532547-A-G.
Other names: c.1922T>C, p.Val641Ala (NM_001243182.2); c.2003T>C, p.Val668Ala (NM_001330579.2, NM_001406531.1, NM_001406532.1 and 1 more transcripts); c.2255T>C, p.Val752Ala (NM_001406511.1, NM_001406512.1, NM_001406513.1 and 7 more transcripts); c.2222T>C, p.Val741Ala (NM_001406514.1); c.2159T>C, p.Val720Ala (NM_001406517.1, NM_001406518.1); c.1826T>C, p.Val609Ala (NM_001406539.1); c.1907T>C, p.Val636Ala (NM_001406543.1); c.1870-804T>C (NM_001005918.3); and 1 more; short protein forms V668A, V641A, V720A, V741A, V609A, V636A, V752A.
Identifiers: ClinVar variation 1788517 (VCV001788517.2), dbSNP rs1202332838, ClinGen allele CA388022241.

ClinVar aggregate classification (germline): Uncertain significance (1 of 4 stars; one submission).

Conditions:
Inborn genetic diseases. Identifiers: MedGen C0950123, MeSH D030342.

Submission:

Ambry Genetics
Classification: Uncertain significance for Inborn genetic diseases. Last evaluated: 2022-07-14. Review status: criteria provided, single submitter. Criteria: Ambry Variant Classification Scheme 2023. Collection method: clinical testing. Allele origin: germline.
Comment: The p.V752A variant (also known as c.2255T>C), located in coding exon 8 of the ATP7B gene, results from a T to C substitution at nucleotide position 2255. The valine at codon 752 is replaced by alanine, an amino acid with similar properties. This amino acid position is conserved. In addition, the in silico prediction for this alteration is inconclusive. Since supporting evidence is limited at this time, the clinical significance of this alteration remains unclear.